The following is an entry in ClinVar:

ClinVar aggregate classification (germline): Uncertain significance (1 of 4 stars; one submission).

Allele frequency attached by ClinVar (database versions not stated): gnomAD 0.00001.
gnomAD v4.1: 9 of 1,611,576 alleles (0.00056%); highest among the groups gnomAD compares: African/African-American, 0.0013%; no homozygotes.

Submission:

Labcorp Genetics (formerly Invitae), Labcorp
Classification: Uncertain significance. Last evaluated: 2022-08-09. Review status: criteria provided, single submitter. Criteria: Invitae Variant Classification Sherloc (09022015). Collection method: clinical testing. Allele origin: germline.
Comment: This sequence change falls in intron 7 of the TRAIP gene. It does not directly change the encoded amino acid sequence of the TRAIP protein. It affects a nucleotide within the consensus splice site. This variant is present in population databases (no rsID available, gnomAD 0.004%). This variant has not been reported in the literature in individuals affected with TRAIP-related conditions. Variants that disrupt the consensus splice site are a relatively common cause of aberrant splicing (PMID: 17576681, 9536098). Algorithms developed to predict the effect of sequence changes on RNA splicing suggest that this variant may disrupt the consensus splice site. In summary, the available evidence is currently insufficient to determine the role of this variant in disease. Therefore, it has been classified as a Variant of Uncertain Significance.

Literature cited by the submitters: PubMed 17576681; PubMed 9536098.

NM_005879.3(TRAIP):c.617+4C>T

Gene: TRAIP (TRAF interacting protein; minus strand). Cytogenetic location: 3p21.31.
Variant type: single nucleotide variant.
Coding change: c.617+4C>T on transcript NM_005879.3 (MANE Select); 4 bases into the intron after coding-DNA position 617, C replaced by T.
Molecular consequence: intron variant.
Genome position (GRCh38, 1-based): chr3:49,841,822, G>A on the plus strand (C>T on the coding strand, the complement: TRAIP is on the minus strand). VCF-style: chr3-49841822-G-A. GRCh37 (hg19) VCF-style: chr3-49879255-G-A.
Identifiers: ClinVar variation 1918839 (VCV001918839.2), dbSNP rs1486715969, ClinGen allele CA542829768.